The following is an entry in ClinVar:

ClinVar aggregate classification (germline): Uncertain significance (1 of 4 stars; one submission).

Conditions:
Mucopolysaccharidosis type 6 (MPS6). Also called: N-ACETYLGALACTOSAMINE-4-SULFATASE DEFICIENCY; MPS VI; MPS 6; Maroteaux Lamy syndrome; ARSB DEFICIENCY; ARYLSULFATASE B DEFICIENCY. Identifiers: Orphanet 583, MedGen C0026709, MONDO:0009661, OMIM 253200.

Allele frequency attached by ClinVar (database versions not stated): gnomAD exomes below 0.00001.
gnomAD v4.1: 1 of 1,614,044 alleles (0.000062%); highest among the groups gnomAD compares: South Asian, 0.0011%; no homozygotes.

Submission:

Laboratory of Diagnosis and Therapy of Lysosomal Disorders, University of Padova
Classification: Uncertain significance for Mucopolysaccharidosis type 6. Last evaluated: 2018-01-01. Review status: criteria provided, single submitter. Criteria: ACMG Guidelines, 2015. Collection method: curation. Allele origin: germline. Affected: yes.
Comment: Absent from GnomAD (PM2); Protein length changes as a result of a stop-loss variant (PM4)

Literature cited by the submitters: PubMed 8144552; PubMed 30118150.

NM_000046.5(ARSB):c.1600T>C (p.Ter534Gln)

Gene: ARSB (arylsulfatase B; minus strand). Cytogenetic location: 5q14.1.
Variant type: single nucleotide variant.
Coding change: c.1600T>C on transcript NM_000046.5 (MANE Select); coding-DNA position 1600, T replaced by C.
Protein change: p.Ter534Gln.
Molecular consequence: stop lost.
Genome position (GRCh38, 1-based): chr5:78,780,399, A>G on the plus strand (T>C on the coding strand, the complement: ARSB is on the minus strand). VCF-style: chr5-78780399-A-G. GRCh37 (hg19) VCF-style: chr5-78076222-A-G.
Other names: *534Q.
Identifiers: ClinVar variation 559728 (VCV000559728.1), dbSNP rs1554069657, ClinGen allele CA360338759.
Genomic context (GRCh38, chr5:78,780,399, plus strand): 5'-TGAGAAAAGGCCTGAGGTCCAACTTCCAATTGAAAGGTTTTCTAGCCTCCCTGAAATCCT[A>G]CATCCAAGGGCCCCACACCCCAGTGGCCTTGGGATCACAGCGGGGGTCCTGTGCAGGGAA-3'